The following is an entry in ClinVar:

NM_181675.4(PPP2R2B):c.665C>T (p.Thr222Met)

Gene: PPP2R2B (protein phosphatase 2 regulatory subunit Bbeta; minus strand). Cytogenetic location: 5q32.
Variant type: single nucleotide variant.
Coding change: c.665C>T on transcript NM_181675.4 (MANE Select); coding-DNA position 665, C replaced by T.
Protein change: p.Thr222Met; replaces threonine 222 with methionine.
Molecular consequence: missense variant. On other transcripts: non-coding transcript variant (2).
Genome position (GRCh38, 1-based): chr5:146,638,376, G>A on the plus strand (C>T on the coding strand, the complement: PPP2R2B is on the minus strand). VCF-style: chr5-146638376-G-A. GRCh37 (hg19) VCF-style: chr5-146017939-G-A.
Other names: c.665C>T, p.Thr222Met (NM_001127381.1, NM_004576.2); c.683C>T, p.Thr228Met (NM_001271899.1); c.839C>T, p.Thr280Met (NM_001271900.2); c.632C>T, p.Thr211Met (NM_001271948.2, NM_181678.2); c.863C>T, p.Thr288Met (NM_181674.3); c.674C>T, p.Thr225Met (NM_181676.3); c.605C>T, p.Thr202Met (NM_181677.2); short protein forms T202M, T211M, T222M, T225M, T228M, T280M, T288M.
Identifiers: ClinVar variation 3048492 (VCV003048492.2), dbSNP rs199878645, ClinGen allele CA3492673.

ClinVar aggregate classification (germline): Likely benign (0 of 4 stars; one submission).

Conditions:
PPP2R2B-related disorder. Also called: PPP2R2B-related condition.

Allele frequency attached by ClinVar (database versions not stated): gnomAD exomes 0.00012; gnomAD 0.00015; 1000 Genomes Project 30x 0.00016; 1000 Genomes Project 0.00020; ExAC 0.00028; TOPMed 0.00031.
gnomAD v4.1: 243 of 1,611,790 alleles (0.015%); highest among the groups gnomAD compares: East Asian, 0.37%; 2 homozygotes.

Submission:

PreventionGenetics, part of Exact Sciences
Classification: Likely benign for PPP2R2B-related condition. Last evaluated: 2020-08-07. Review status: no assertion criteria provided. Collection method: clinical testing. Allele origin: germline.
Comment: This variant is classified as likely benign based on ACMG/AMP sequence variant interpretation guidelines (Richards et al. 2015 PMID: 25741868, with internal and published modifications).